The following is an entry in ClinVar:

NM_012469.4(PRPF6):c.1449G>A (p.Val483=)

Gene: PRPF6 (pre-mRNA processing factor 6; plus strand). Cytogenetic location: 20q13.33.
Variant type: single nucleotide variant.
Coding change: c.1449G>A on transcript NM_012469.4 (MANE Select); coding-DNA position 1449, G replaced by A.
Protein change: p.Val483=; no amino-acid change (valine 483 retained).
Molecular consequence: synonymous variant.
Genome position (GRCh38, 1-based): chr20:64,011,428, G>A. VCF-style: chr20-64011428-G-A. GRCh37 (hg19) VCF-style: chr20-62642781-G-A.
Identifiers: ClinVar variation 339474 (VCV000339474.14), dbSNP rs111366685, ClinGen allele CA9972186.
Genomic context (GRCh38, chr20:64,011,428, plus strand): 5'-CCGACATATCTGGATCACGGCTGCTAAGCTGGAGGAAGCCAATGGGAACACGCAGATGGT[G>A]GAGAAGATCATCGACCGAGCCATCACCTCGCTGCGGGCCAACGGTGTGGAGATCAACCGT-3'
Protein context (NP_036601.2, residues 473-493): LEEANGNTQM[Val483=]EKIIDRAITS

ClinVar aggregate classification (germline): Benign. Review status: criteria provided, multiple submitters, no conflicts (2 of 4 stars). 3 submissions from 3 submitters: Benign (3). Last evaluated 2026-01-28.

Conditions:
Retinitis pigmentosa (RP). Identifiers: Orphanet 791, MedGen C0035334, MeSH D012174, MONDO:0019200, OMIM 268000. Inheritance: Autosomal dominant, autosomal recessive and X linked inheritance.

Allele frequency attached by ClinVar (database versions not stated): 1000 Genomes Project 0.00280; 1000 Genomes Project 30x 0.00281; TOPMed 0.00864; gnomAD exomes 0.00980 and 0.01358; gnomAD 0.01020 and 0.01057; ExAC 0.01071; ESP Exome Variant Server 0.01138.
gnomAD v4.1: 21,190 of 1,614,216 alleles (1.3%); highest among the groups gnomAD compares: Non-Finnish European, 1.6%; 170 homozygotes.

Submissions (3):

Labcorp Genetics (formerly Invitae), Labcorp
Classification: Benign. Last evaluated: 2026-01-28. Review status: criteria provided, single submitter. Criteria: Invitae Variant Classification Sherloc (09022015). Collection method: clinical testing. Allele origin: germline.

Illumina Laboratory Services, Illumina
Classification: Benign for Retinitis pigmentosa. Last evaluated: 2018-01-12. Review status: criteria provided, single submitter. Criteria: ICSL Variant Classification Criteria 13 December 2019. Collection method: clinical testing. Allele origin: germline.
Comment: This variant was observed in the ICSL laboratory as part of a predisposition screen in an ostensibly healthy population. It had not been previously curated by ICSL or reported in the Human Gene Mutation Database (HGMD: prior to June 1st, 2018), and was therefore a candidate for classification through an automated scoring system. Utilizing variant allele frequency, disease prevalence and penetrance estimates, and inheritance mode, an automated score was calculated to assess if this variant is too frequent to cause the disease. Based on the score and internal cut-off values, a variant classified as benign is not then subjected to further curation. The score for this variant resulted in a classification of benign for this disease.

Breakthrough Genomics
Classification: Benign. Review status: criteria provided, single submitter. Criteria: ACMG Guidelines, 2015. Collection method: not provided. Allele origin: germline. Inheritance: Autosomal dominant inheritance. Affected: yes.